The following is an entry in ClinVar:

NM_144999.4(LRRC45):c.529C>T (p.Leu177=)

Gene: LRRC45 (leucine rich repeat containing 45; plus strand). Cytogenetic location: 17q25.3.
Variant type: single nucleotide variant.
Coding change: c.529C>T on transcript NM_144999.4 (MANE Select); coding-DNA position 529, C replaced by T.
Protein change: p.Leu177=; no amino-acid change (leucine 177 retained).
Molecular consequence: synonymous variant.
Genome position (GRCh38, 1-based): chr17:82,025,175, C>T. VCF-style: chr17-82025175-C-T. GRCh37 (hg19) VCF-style: chr17-79983051-C-T.
Identifiers: ClinVar variation 4978272 (VCV004978272.1).
Genomic context (GRCh38, chr17:82,025,175, plus strand): 5'-AGTCACAAGGGCGCGGAGGAGCTGGCCCTAGCCCTGAAGGGCAACACCACCCTCCAGCAG[C>T]TGGGTGAGGCCTCCCAGGCGCCCTCAGGCTCCCTCATCCCTCTGAGGCTGCCTCTGCTCT-3'
Protein context (NP_659436.1, residues 167-187): ALKGNTTLQQ[Leu177=]DLRWNNVGLL

ClinVar aggregate classification (germline): Likely benign (1 of 4 stars; one submission).

Conditions:
LRRC45-related disorder. Also called: LRRC45-related condition.

gnomAD v4.1: 39 of 1,591,518 alleles (0.0025%); highest among the groups gnomAD compares: Non-Finnish European, 0.0033%; no homozygotes.

Submission:

PreventionGenetics, part of Exact Sciences
Classification: Likely benign for LRRC45-related condition. Last evaluated: 2025-01-25. Review status: criteria provided, single submitter. Criteria: ACMG Guidelines, 2015. Collection method: clinical testing. Allele origin: germline.
Comment: This variant is classified as likely benign based on ACMG/AMP sequence variant interpretation guidelines (Richards et al. 2015 PMID: 25741868, with internal and published modifications).